The following is an entry in ClinVar:

ClinVar aggregate classification (germline): Uncertain significance. Review status: criteria provided, multiple submitters, no conflicts (2 of 4 stars). 2 submissions from 2 submitters: Uncertain significance (2). Last evaluated 2024-06-25.

Conditions:
Cardiovascular phenotype. Identifiers: MedGen CN230736.

Allele frequency attached by ClinVar (database versions not stated): gnomAD exomes below 0.00001.
gnomAD v4.1: 1 of 1,613,758 alleles (0.000062%); highest among the groups gnomAD compares: African/African-American, 0.0013%; no homozygotes.

Submissions (2):

Ambry Genetics
Classification: Uncertain significance for Cardiovascular phenotype. Last evaluated: 2024-06-25. Review status: criteria provided, single submitter. Criteria: Ambry Variant Classification Scheme 2023. Collection method: clinical testing. Allele origin: germline.
Comment: The p.G6R variant (also known as c.16G>A), located in coding exon 1 of the SCN10A gene, results from a G to A substitution at nucleotide position 16. The glycine at codon 6 is replaced by arginine, an amino acid with dissimilar properties. This amino acid position is not well conserved in available vertebrate species. In addition, the in silico prediction for this alteration is inconclusive. The evidence for this gene-disease relationship is limited; therefore, the clinical significance of this alteration is unclear.

GeneDx
Classification: Uncertain significance. Last evaluated: 2022-10-18. Review status: criteria provided, single submitter. Criteria: GeneDx Variant Classification Process June 2021. Collection method: clinical testing. Allele origin: germline. Affected: yes.
Comment: Not observed at significant frequency in large population cohorts (gnomAD); In silico analysis supports that this missense variant has a deleterious effect on protein structure/function; Has not been previously published as pathogenic or benign to our knowledge

NM_006514.4(SCN10A):c.16G>A (p.Gly6Arg)

Gene: SCN10A (sodium voltage-gated channel alpha subunit 10; minus strand). Cytogenetic location: 3p22.2.
Variant type: single nucleotide variant.
Coding change: c.16G>A on transcript NM_006514.4 (MANE Select); coding-DNA position 16, G replaced by A.
Protein change: p.Gly6Arg; replaces glycine 6 with arginine.
Molecular consequence: missense variant.
Genome position (GRCh38, 1-based): chr3:38,793,995, C>T on the plus strand (G>A on the coding strand, the complement: SCN10A is on the minus strand). VCF-style: chr3-38793995-C-T. GRCh37 (hg19) VCF-style: chr3-38835486-C-T.
Other names: c.16G>A, p.Gly6Arg (NM_001293306.2, NM_001293307.2); short protein forms G6R.
Identifiers: ClinVar variation 2499951 (VCV002499951.2), dbSNP rs1486527017, ClinGen allele CA352163541.